The following is an entry in ClinVar:

ClinVar aggregate classification (germline): Likely benign (1 of 4 stars; one submission).

Conditions:
Ataxia-telangiectasia-like disorder 1 (ATLD1). Identifiers: Orphanet 251347, MedGen C4012790, MONDO:0024557, OMIM 604391.

Allele frequency attached by ClinVar (database versions not stated): gnomAD exomes 0.00075; 1000 Genomes Project 0.00260; 1000 Genomes Project 30x 0.00312; gnomAD 0.00401 and 0.00434.
gnomAD v4.1: 465 of 171,250 alleles (0.27%); highest among the groups gnomAD compares: African/African-American, 1.4%; 2 homozygotes.

Submission:

Illumina Laboratory Services, Illumina
Classification: Likely benign for Ataxia-telangiectasia-like disorder 1. Last evaluated: 2018-01-12. Review status: criteria provided, single submitter. Criteria: ICSL Variant Classification Criteria 13 December 2019. Collection method: clinical testing. Allele origin: germline.
Comment: This variant was observed in the ICSL laboratory as part of a predisposition screen in an ostensibly healthy population. It had not been previously curated by ICSL or reported in the Human Gene Mutation Database (HGMD: prior to June 1st, 2018), and was therefore a candidate for classification through an automated scoring system. Utilizing variant allele frequency, disease prevalence and penetrance estimates, and inheritance mode, an automated score was calculated to assess if this variant is too frequent to cause the disease. Based on the score and internal cut-off values, a variant classified as likely benign is not then subjected to further curation. The score for this variant resulted in a classification of likely benign for this disease.

NM_005591.4(MRE11):c.*628G>A

Gene: MRE11 (MRE11 homolog, double strand break repair nuclease; minus strand). Cytogenetic location: 11q21.
Variant type: single nucleotide variant.
Coding change: c.*628G>A on transcript NM_005591.4 (MANE Select); 628 bases downstream of the stop codon, G replaced by A.
Molecular consequence: 3 prime UTR variant.
Genome position (GRCh38, 1-based): chr11:94,419,497, C>T on the plus strand (G>A on the coding strand, the complement: MRE11 is on the minus strand). VCF-style: chr11-94419497-C-T. GRCh37 (hg19) VCF-style: chr11-94152663-C-T.
Other names: c.*628G>A (NM_001330347.2, NM_005590.4).
Identifiers: ClinVar variation 306482 (VCV000306482.5), dbSNP rs142407545, ClinGen allele CA10640502.